The following is an entry in ClinVar:

ClinVar aggregate classification (germline): Likely benign. Review status: criteria provided, multiple submitters, no conflicts (2 of 4 stars). 4 submissions from 4 submitters: Likely benign (3). 1 of the submissions does not count toward it. Last evaluated 2026-01-18.

Conditions:
KMT2A-related disorder. Also called: KMT2A-related condition.

Allele frequency attached by ClinVar (database versions not stated): gnomAD 0.00003; gnomAD exomes 0.00003 and 0.00005; TOPMed 0.00003; ExAC 0.00004; ESP Exome Variant Server 0.00008.
gnomAD v4.1: 79 of 1,603,744 alleles (0.0049%); highest among the groups gnomAD compares: Non-Finnish European, 0.0066%; no homozygotes.

Submissions (4):

Labcorp Genetics (formerly Invitae), Labcorp
Classification: Likely benign. Last evaluated: 2026-01-18. Review status: criteria provided, single submitter. Criteria: Invitae Variant Classification Sherloc (09022015). Collection method: clinical testing. Allele origin: germline.

Blueprint Genetics
Classification: Likely benign. Last evaluated: 2024-05-09. Review status: criteria provided, single submitter. Criteria: ACMG Guidelines, 2015. Collection method: clinical testing. Allele origin: germline.

GeneDx
Classification: Likely benign. Last evaluated: 2020-06-18. Review status: criteria provided, single submitter. Criteria: GeneDx Variant Classification Process June 2021. Collection method: clinical testing. Allele origin: germline. Affected: yes.

PreventionGenetics, part of Exact Sciences
Classification: Likely benign for KMT2A-related condition. Last evaluated: 2022-05-26. Review status: no assertion criteria provided. Collection method: clinical testing. Allele origin: germline. Not counted in ClinVar's aggregate classification.
Comment: This variant is classified as likely benign based on ACMG/AMP sequence variant interpretation guidelines (Richards et al. 2015 PMID: 25741868, with internal and published modifications).

NM_001197104.2(KMT2A):c.6159-8T>C

Gene: KMT2A (lysine methyltransferase 2A; plus strand). Cytogenetic location: 11q23.3.
Variant type: single nucleotide variant.
Coding change: c.6159-8T>C on transcript NM_001197104.2 (MANE Select); 8 bases into the intron before coding-DNA position 6159, T replaced by C.
Molecular consequence: intron variant.
Genome position (GRCh38, 1-based): chr11:118,500,979, T>C. VCF-style: chr11-118500979-T-C. GRCh37 (hg19) VCF-style: chr11-118371694-T-C.
Other names: c.6150-8T>C (NM_005933.4).
Identifiers: ClinVar variation 723956 (VCV000723956.14), dbSNP rs372739146, ClinGen allele CA6304204.